The following is an entry in ClinVar:

NM_001330700.2(TOP2B):c.3503C>G (p.Ala1168Gly)

Gene: TOP2B (DNA topoisomerase II beta; minus strand). Cytogenetic location: 3p24.2.
Variant type: single nucleotide variant.
Coding change: c.3503C>G on transcript NM_001330700.2 (MANE Select); coding-DNA position 3503, C replaced by G.
Protein change: p.Ala1168Gly; replaces alanine 1168 with glycine.
Molecular consequence: missense variant.
Genome position (GRCh38, 1-based): chr3:25,615,435, G>C on the plus strand (C>G on the coding strand, the complement: TOP2B is on the minus strand). VCF-style: chr3-25615435-G-C. GRCh37 (hg19) VCF-style: chr3-25656926-G-C.
Other names: c.3488C>G, p.Ala1163Gly (NM_001068.3); short protein forms A1163G, A1168G.
Identifiers: ClinVar variation 3625524 (VCV003625524.2).

ClinVar aggregate classification (germline): Uncertain significance (1 of 4 stars; one submission).

gnomAD v4.1: 12 of 1,547,262 alleles (0.00078%); highest among the groups gnomAD compares: Non-Finnish European, 0.001%; no homozygotes.

Submission:

Labcorp Genetics (formerly Invitae), Labcorp
Classification: Uncertain significance. Last evaluated: 2025-05-05. Review status: criteria provided, single submitter. Criteria: Invitae Variant Classification Sherloc (09022015). Collection method: clinical testing. Allele origin: germline.
Comment: This sequence change replaces alanine, which is neutral and non-polar, with glycine, which is neutral and non-polar, at codon 1163 of the TOP2B protein (p.Ala1163Gly). This variant is not present in population databases (gnomAD no frequency). This variant has not been reported in the literature in individuals affected with TOP2B-related conditions. ClinVar contains an entry for this variant (Variation ID: 3625524). An algorithm developed to predict the effect of missense changes on protein structure and function (PolyPhen-2) suggests that this variant is likely to be tolerated. In summary, the available evidence is currently insufficient to determine the role of this variant in disease. Therefore, it has been classified as a Variant of Uncertain Significance.